The following is an entry in ClinVar:

NM_007357.3(COG2):c.1480G>A (p.Asp494Asn)

Gene: COG2 (component of oligomeric golgi complex 2; plus strand). Cytogenetic location: 1q42.2.
Variant type: single nucleotide variant.
Coding change: c.1480G>A on transcript NM_007357.3 (MANE Select); coding-DNA position 1480, G replaced by A.
Protein change: p.Asp494Asn; replaces aspartic acid 494 with asparagine.
Molecular consequence: missense variant.
Genome position (GRCh38, 1-based): chr1:230,687,034, G>A. VCF-style: chr1-230687034-G-A. GRCh37 (hg19) VCF-style: chr1-230822780-G-A.
Other names: c.1480G>A, p.Asp494Asn (NM_001145036.2); short protein forms D494N.
Identifiers: ClinVar variation 2782483 (VCV002782483.3), dbSNP rs2527664984, ClinGen allele CA345197461.

ClinVar aggregate classification (germline): Uncertain significance (1 of 4 stars; one submission).

Conditions:
Congenital disorder of glycosylation, type IIq. Also called: CDG IIq. Identifiers: Orphanet 435934, MedGen C4479353, MONDO:0054559, OMIM 617395.

Allele frequency attached by ClinVar (database versions not stated): gnomAD exomes below 0.00001.
gnomAD v4.1: 3 of 1,612,200 alleles (0.00019%); highest among the groups gnomAD compares: Non-Finnish European, 0.00025%; no homozygotes.

Submission:

Labcorp Genetics (formerly Invitae), Labcorp
Classification: Uncertain significance for Congenital disorder of glycosylation, type IIq. Last evaluated: 2023-04-07. Review status: criteria provided, single submitter. Criteria: Invitae Variant Classification Sherloc (09022015). Collection method: clinical testing. Allele origin: germline.
Comment: This sequence change replaces aspartic acid, which is acidic and polar, with asparagine, which is neutral and polar, at codon 494 of the COG2 protein (p.Asp494Asn). This variant is not present in population databases (gnomAD no frequency). This variant has not been reported in the literature in individuals affected with COG2-related conditions. An algorithm developed to predict the effect of missense changes on protein structure and function (PolyPhen-2) suggests that this variant is likely to be tolerated. In summary, the available evidence is currently insufficient to determine the role of this variant in disease. Therefore, it has been classified as a Variant of Uncertain Significance.